The following is an entry in ClinVar:

NM_001271.4(CHD2):c.827-2A>G

Gene: CHD2 (chromodomain helicase DNA binding protein 2; plus strand). Cytogenetic location: 15q26.1.
Variant type: single nucleotide variant.
Coding change: c.827-2A>G on transcript NM_001271.4 (MANE Select); the canonical splice acceptor site of the intron before coding-DNA position 827, A replaced by G.
Molecular consequence: splice acceptor variant.
Genome position (GRCh38, 1-based): chr15:92,942,841, A>G. VCF-style: chr15-92942841-A-G. GRCh37 (hg19) VCF-style: chr15-93486071-A-G.
Other names: c.827-2A>G (NM_001042572.3).
Identifiers: ClinVar variation 2630220 (VCV002630220.1), dbSNP rs2505446613, ClinGen allele CA393901219.
Genomic context (GRCh38, chr15:92,942,841, plus strand): 5'-GGGAAGCTTTTTAATATCTGGTGTAATATACTCTCTTTCAAGTGTACTTAATCCTTTTGC[A>G]GCCACTGGAGCATCTACTACTGTATATGCGATTGAAGCTAATGGCGACCCTAGTGGTGAC-3'

ClinVar aggregate classification (germline): Likely pathogenic (1 of 4 stars; one submission).

Conditions:
CHD2-related disorder. Also called: CHD2-related condition.

Submission:

PreventionGenetics, part of Exact Sciences
Classification: Likely pathogenic for CHD2-related condition. Last evaluated: 2023-01-26. Review status: criteria provided, single submitter. Criteria: ACMG Guidelines, 2015. Collection method: clinical testing. Allele origin: germline.
Comment: The CHD2 c.827-2A>G variant is predicted to disrupt the AG splice acceptor site and interfere with normal splicing. To our knowledge, this variant has not been reported in the literature or in a large population database, indicating this variant is rare. Variants that disrupt the consensus splice acceptor site in CHD2 are expected to be pathogenic. This variant is interpreted as likely pathogenic.